The following is an entry in ClinVar:

NM_003072.5(SMARCA4):c.4170+8C>T

Gene: SMARCA4 (SWI/SNF related BAF chromatin remodeling complex subunit ATPase 4; plus strand). Cytogenetic location: 19p13.2.
Variant type: single nucleotide variant.
Coding change: c.4170+8C>T on transcript NM_003072.5 (MANE Select); 8 bases into the intron after coding-DNA position 4170, C replaced by T.
Molecular consequence: intron variant.
Genome position (GRCh38, 1-based): chr19:11,035,140, C>T. VCF-style: chr19-11035140-C-T. GRCh37 (hg19) VCF-style: chr19-11145816-C-T.
Other names: c.4170+8C>T (NM_001128844.3, NM_001128849.3, NM_001387283.1); c.4071+8C>T (NM_001128847.4, NM_001374457.1, NM_001128845.2 and 2 more transcripts).
Identifiers: ClinVar variation 2043933 (VCV002043933.5), dbSNP rs778760920, ClinGen allele CA632115363.

ClinVar aggregate classification (germline): Likely benign. Review status: criteria provided, multiple submitters, no conflicts (2 of 4 stars). 2 submissions from 2 submitters: Likely benign (2). Last evaluated 2026-07-08.

Conditions:
Rhabdoid tumor predisposition syndrome 2 (RTPS2). Identifiers: Orphanet 231108, Orphanet 69077, MedGen C2750074, MONDO:0013224, OMIM 613325.

gnomAD v4.1: 3 of 1,608,600 alleles (0.00019%); highest among the groups gnomAD compares: South Asian, 0.0011%; no homozygotes.

Submissions (2):

Myriad Genetics, Inc.
Classification: Likely benign for Rhabdoid tumor predisposition syndrome 2. Last evaluated: 2026-07-08. Review status: criteria provided, single submitter. Criteria: Myriad Autosomal Dominant, Autosomal Recessive and X-Linked Classification Criteria (2023). Collection method: clinical testing. Allele origin: unknown.
Comment: This variant is considered likely benign. This variant is intronic and is not expected to impact mRNA splicing.

Labcorp Genetics (formerly Invitae), Labcorp
Classification: Likely benign for Rhabdoid tumor predisposition syndrome 2. Last evaluated: 2025-01-23. Review status: criteria provided, single submitter. Criteria: Invitae Variant Classification Sherloc (09022015). Collection method: clinical testing. Allele origin: germline.